The following is an entry in ClinVar:

ClinVar aggregate classification (germline): Pathogenic (1 of 4 stars; one submission).

gnomAD v4.1: 5 of 1,613,500 alleles (0.00031%); highest among the groups gnomAD compares: Non-Finnish European, 0.00034%; no homozygotes.

Submission:

Labcorp Genetics (formerly Invitae), Labcorp
Classification: Pathogenic. Last evaluated: 2026-01-24. Review status: criteria provided, single submitter. Criteria: Invitae Variant Classification Sherloc (09022015). Collection method: clinical testing. Allele origin: germline.
Comment: This sequence change creates a premature translational stop signal (p.Ser85*) in the CYP2R1 gene. It is expected to result in an absent or disrupted protein product. Loss-of-function variants in CYP2R1 are known to be pathogenic (PMID: 15128933, 22855339, 25942481, 33715104). This variant is present in population databases (rs782025990, gnomAD 0.0009%). This variant has not been reported in the literature in individuals affected with CYP2R1-related conditions. ClinVar contains an entry for this variant (Variation ID: 3603688). For these reasons, this variant has been classified as Pathogenic.

Literature cited by the submitters: PubMed 15128933; PubMed 22855339; PubMed 25942481; PubMed 33715104.

NM_024514.5(CYP2R1):c.254C>G (p.Ser85Ter)

Genes: CYP2R1 (cytochrome P450 family 2 subfamily R member 1; minus strand), PDE3B (phosphodiesterase 3B; plus strand). Cytogenetic location: 11p15.2.
Variant type: single nucleotide variant.
Coding change: c.254C>G on transcript NM_024514.5 (MANE Select); coding-DNA position 254, C replaced by G.
Protein change: p.Ser85Ter; replaces serine 85 with a stop codon.
Molecular consequence: nonsense. On other transcripts: 5 prime UTR variant (13), non-coding transcript variant (16), intron variant (2).
Genome position (GRCh38, 1-based): chr11:14,885,889, G>C on the plus strand (C>G on the coding strand, the complement: CYP2R1 is on the minus strand). VCF-style: chr11-14885889-G-C. GRCh37 (hg19) VCF-style: chr11-14907435-G-C.
Other names: c.-92C>G (NM_001377214.1, NM_001377215.1, NM_001377216.1 and 6 more transcripts); c.92C>G, p.Ser31Ter (NM_001377217.1); c.-37C>G (NM_001400562.1, NM_001400563.1, NM_001400564.1 and 1 more transcripts); c.110C>G, p.Ser37Ter (NM_001400567.1); c.209C>G, p.Ser70Ter (NM_001400568.1); c.2887-13056G>C (NM_001429700.1); c.2887-13067G>C (NM_001429699.1); short protein forms S31*, S37*, S70*, S85*.
Identifiers: ClinVar variation 3603688 (VCV003603688.2).
Genomic context (GRCh38, chr11:14,885,889, plus strand): 5'-ATTTCGCTTTGATGAACAAGGCATTCCTTTACTACATCATAGCCATTTAGAACCACAGTT[G>C]ATATGCCTCCAAGATCTAAACTGAAGATCTTTGAGAAGAGAAGAAAAACAACATTTAAAT-3'